The following is an entry in ClinVar:

ClinVar aggregate classification (germline): Uncertain significance (1 of 4 stars; one submission).

Conditions:
Hereditary spastic paraplegia 30. Identifiers: Orphanet 101010, MedGen C5235139, MONDO:0012476.
Neuropathy, hereditary sensory, type 2C. Also called: KIF1A-Related HSAN2 (HSAN2C); Hereditary sensory and autonomic neuropathy type IIC. Identifiers: Orphanet 970, MedGen C3280168, MONDO:0013634, OMIM 614213.
Intellectual disability, autosomal dominant 9 (NESCAVS). Also called: KIF1A-Related Neurodevelopmental Disorder; NESCAV SYNDROME. Identifiers: Orphanet 662367, MedGen C5393830, MONDO:0013656, OMIM 614255.

Submission:

Labcorp Genetics (formerly Invitae), Labcorp
Classification: Uncertain significance for Hereditary spastic paraplegia 30; Neuropathy, hereditary sensory, type 2C; Intellectual disability, autosomal dominant 9. Last evaluated: 2021-09-25. Review status: criteria provided, single submitter. Criteria: Invitae Variant Classification Sherloc (09022015). Collection method: clinical testing. Allele origin: germline.
Comment: In summary, the available evidence is currently insufficient to determine the role of this variant in disease. Therefore, it has been classified as a Variant of Uncertain Significance. Advanced modeling of protein sequence and biophysical properties (such as structural, functional, and spatial information, amino acid conservation, physicochemical variation, residue mobility, and thermodynamic stability) performed at Invitae indicates that this missense variant is expected to disrupt KIF1A protein function. This variant has not been reported in the literature in individuals affected with KIF1A-related conditions. This variant is not present in population databases (ExAC no frequency). This sequence change replaces threonine with asparagine at codon 341 of the KIF1A protein (p.Thr341Asn). The threonine residue is highly conserved and there is a small physicochemical difference between threonine and asparagine.

NM_001244008.2(KIF1A):c.1022C>A (p.Thr341Asn)

Gene: KIF1A (kinesin family member 1A; minus strand). Cytogenetic location: 2q37.3.
Variant type: single nucleotide variant.
Coding change: c.1022C>A on transcript NM_001244008.2 (MANE Select); coding-DNA position 1022, C replaced by A.
Protein change: p.Thr341Asn; replaces threonine 341 with asparagine.
Molecular consequence: missense variant.
Genome position (GRCh38, 1-based): chr2:240,774,198, G>T on the plus strand (C>A on the coding strand, the complement: KIF1A is on the minus strand). VCF-style: chr2-240774198-G-T. GRCh37 (hg19) VCF-style: chr2-241713615-G-T.
Other names: c.1022C>A, p.Thr341Asn (NM_001320705.2, NM_001330289.2, NM_001330290.2 and 20 more transcripts); short protein forms T341N.
Identifiers: ClinVar variation 1465738 (VCV001465738.6), dbSNP rs2125976621, ClinGen allele CA351296663.
Genomic context (GRCh38, chr2:240,774,198, plus strand): 5'-AGACCAGGGAGCGGGAAGCAGAGCTTGTCTCCCTGGAGAACTCACCTCAGCGTGCTAAGG[G>T]TCTCATCGTAGTTGATGTCTGCAGGACTCAAGGCTGCCACCATAGCTGTCCTTGAGTTAC-3'
Protein context (NP_001230937.1, residues 331-351): LSPADINYDE[Thr341Asn]LSTLRYADRA